The following is an entry in ClinVar:

ClinVar aggregate classification (germline): Pathogenic (1 of 4 stars; one submission).

Allele frequency attached by ClinVar (database versions not stated): gnomAD exomes below 0.00001 and 0.00001; ExAC 0.00001.
gnomAD v4.1: 3 of 1,613,566 alleles (0.00019%); highest among the groups gnomAD compares: Non-Finnish European, 0.00025%; no homozygotes.

Submission:

Labcorp Genetics (formerly Invitae), Labcorp
Classification: Pathogenic. Last evaluated: 2021-12-07. Review status: criteria provided, single submitter. Criteria: Invitae Variant Classification Sherloc (09022015). Collection method: clinical testing. Allele origin: germline.
Comment: For these reasons, this variant has been classified as Pathogenic. ClinVar contains an entry for this variant (Variation ID: 1073667). This variant has not been reported in the literature in individuals affected with TUBGCP6-related conditions. This variant is present in population databases (rs770218767, gnomAD 0.0009%). This sequence change creates a premature translational stop signal (p.Lys634*) in the TUBGCP6 gene. It is expected to result in an absent or disrupted protein product. Loss-of-function variants in TUBGCP6 are known to be pathogenic (PMID: 25344692).

Literature cited by the submitters: PubMed 25344692.

NM_020461.4(TUBGCP6):c.1900A>T (p.Lys634Ter)

Gene: TUBGCP6 (tubulin gamma complex component 6; minus strand). Cytogenetic location: 22q13.33.
Variant type: single nucleotide variant.
Coding change: c.1900A>T on transcript NM_020461.4 (MANE Select); coding-DNA position 1900, A replaced by T.
Protein change: p.Lys634Ter; replaces lysine 634 with a stop codon.
Molecular consequence: nonsense.
Genome position (GRCh38, 1-based): chr22:50,225,877, T>A on the plus strand (A>T on the coding strand, the complement: TUBGCP6 is on the minus strand). VCF-style: chr22-50225877-T-A. GRCh37 (hg19) VCF-style: chr22-50664306-T-A.
Other names: short protein forms K634*.
Identifiers: ClinVar variation 1073667 (VCV001073667.7), dbSNP rs770218767, ClinGen allele CA10308459.
Genomic context (GRCh38, chr22:50,225,877, plus strand): 5'-TGTGGCGGGCCACCCTCTCCATGCGCCCAACGTAGACGGCACAGTCCTTCTCAATCTCCT[T>A]CAACTCCTCAAGGGAGAAAATCACCGAGATCCGGGGGACAGGGACGTCGGACCAACAGAG-3'